The following is an entry in ClinVar:

ClinVar aggregate classification (germline): Uncertain significance (1 of 4 stars; one submission).

Allele frequency attached by ClinVar (database versions not stated): ExAC 0.00004; gnomAD 0.00005; TOPMed 0.00007; gnomAD exomes 0.00009; ESP Exome Variant Server 0.00015.
gnomAD v4.1: 150 of 1,613,202 alleles (0.0093%); highest among the groups gnomAD compares: Non-Finnish European, 0.011%; no homozygotes.

Submission:

Women's Health and Genetics/Laboratory Corporation of America, LabCorp
Classification: Uncertain significance. Last evaluated: 2023-03-28. Review status: criteria provided, single submitter. Criteria: LabCorp Variant Classification Summary - May 2015. Collection method: clinical testing. Allele origin: germline.
Comment: Variant summary: CENPF c.40A>G (p.Thr14Ala) results in a non-conservative amino acid change located in the Centromere protein Cenp-F, N-terminal domain (IPR018463) of the encoded protein sequence. Four of five in-silico tools predict a benign effect of the variant on protein function. The variant allele was found at a frequency of 5.2e-05 in 250280 control chromosomes. The available data on variant occurrences in the general population are insufficient to allow any conclusion about variant significance. To our knowledge, no occurrence of c.40A>G in individuals affected with Stromme Syndrome and no experimental evidence demonstrating its impact on protein function have been reported. No clinical diagnostic laboratories have submitted clinical-significance assessments for this variant to ClinVar after 2014. Based on the evidence outlined above, the variant was classified as uncertain significance.

NM_016343.4(CENPF):c.40A>G (p.Thr14Ala)

Gene: CENPF (centromere protein F; plus strand). Cytogenetic location: 1q41.
Variant type: single nucleotide variant.
Coding change: c.40A>G on transcript NM_016343.4 (MANE Select); coding-DNA position 40, A replaced by G.
Protein change: p.Thr14Ala; replaces threonine 14 with alanine.
Molecular consequence: missense variant.
Genome position (GRCh38, 1-based): chr1:214,613,794, A>G. VCF-style: chr1-214613794-A-G. GRCh37 (hg19) VCF-style: chr1-214787137-A-G.
Other names: short protein forms T14A.
Identifiers: ClinVar variation 2501220 (VCV002501220.1), dbSNP rs138690504, ClinGen allele CA1389648.